The following is an entry in ClinVar:

NM_001358530.2(MOCS1):c.11G>A (p.Arg4Gln)

Gene: MOCS1 (molybdenum cofactor synthesis 1; minus strand). Cytogenetic location: 6p21.2.
Variant type: single nucleotide variant.
Coding change: c.11G>A on transcript NM_001358530.2 (MANE Select); coding-DNA position 11, G replaced by A.
Protein change: p.Arg4Gln; replaces arginine 4 with glutamine.
Molecular consequence: missense variant. On other transcripts: 5 prime UTR variant (2), non-coding transcript variant (1).
Genome position (GRCh38, 1-based): chr6:39,934,407, C>T on the plus strand (G>A on the coding strand, the complement: MOCS1 is on the minus strand). VCF-style: chr6-39934407-C-T. GRCh37 (hg19) VCF-style: chr6-39902146-C-T.
Other names: c.11G>A (NM_001075098.3, NM_001358530.1); c.11G>A, p.Arg4Gln (NM_001075098.4, NM_001358529.2); c.-124G>A (NM_001358531.2, NM_001358533.2); short protein forms R4Q.
Identifiers: ClinVar variation 1041646 (VCV001041646.7), dbSNP rs760690355, ClinGen allele CA3796509.

ClinVar aggregate classification (germline): Conflicting classifications of pathogenicity. Review status: criteria provided, conflicting classifications (1 of 4 stars). 4 submissions from 4 submitters: Uncertain significance (2); Likely benign (2). Last evaluated 2025-03-31.

Conditions:
MOCS1-related disorder. Also called: MOCS1-related condition.
Inborn genetic diseases. Identifiers: MedGen C0950123, MeSH D030342.
Sulfite oxidase deficiency due to molybdenum cofactor deficiency type A. Also called: Molybdenum cofactor deficiency, complementation group A; Molybdenum Cofactor Deficiency A. Identifiers: Orphanet 308386, Orphanet 833, MedGen C1854988, MONDO:0009643, OMIM 252150.

Allele frequency attached by ClinVar (database versions not stated): gnomAD exomes 0.00003 and 0.00009; ExAC 0.00011; gnomAD 0.00030 and 0.00032; 1000 Genomes Project 30x 0.00031; TOPMed 0.00031.
gnomAD v4.1: 93 of 1,566,410 alleles (0.0059%); highest among the groups gnomAD compares: African/African-American, 0.11%; 1 homozygote.

Submissions (4):

PreventionGenetics, part of Exact Sciences
Classification: Uncertain significance for MOCS1-related condition. Last evaluated: 2025-03-31. Review status: criteria provided, single submitter. Criteria: ACMG Guidelines, 2015. Collection method: clinical testing. Allele origin: germline.
Comment: The MOCS1 c.11G>A variant is predicted to result in the amino acid substitution p.Arg4Gln. To our knowledge, this variant has not been reported in the literature. This variant is reported in 0.12% of alleles in individuals of African descent in gnomAD, including 1 homozygous observation, which may be too frequent to be a primary cause of disease. Although we suspect that this variant may be benign, at this time, the clinical significance of this variant is uncertain due to the absence of conclusive functional and genetic evidence.

Fulgent Genetics
Classification: Likely benign for Sulfite oxidase deficiency due to molybdenum cofactor deficiency type A. Last evaluated: 2024-06-05. Review status: criteria provided, single submitter. Criteria: ACMG Guidelines, 2015. Collection method: clinical testing. Allele origin: germline.

Ambry Genetics
Classification: Likely benign for Inborn genetic diseases. Last evaluated: 2023-02-14. Review status: criteria provided, single submitter. Criteria: Ambry Variant Classification Scheme 2023. Collection method: clinical testing. Allele origin: germline.

Labcorp Genetics (formerly Invitae), Labcorp
Classification: Uncertain significance for Sulfite oxidase deficiency due to molybdenum cofactor deficiency type A. Last evaluated: 2022-10-03. Review status: criteria provided, single submitter. Criteria: Invitae Variant Classification Sherloc (09022015). Collection method: clinical testing. Allele origin: germline.
Comment: This sequence change replaces arginine, which is basic and polar, with glutamine, which is neutral and polar, at codon 4 of the MOCS1 protein (p.Arg4Gln). This variant is present in population databases (rs760690355, gnomAD 0.1%), including at least one homozygous and/or hemizygous individual. This variant has not been reported in the literature in individuals affected with MOCS1-related conditions. ClinVar contains an entry for this variant (Variation ID: 1041646). Experimental studies and prediction algorithms are not available or were not evaluated, and the functional significance of this variant is currently unknown. Algorithms developed to predict the effect of sequence changes on RNA splicing suggest that this variant may create or strengthen a splice site. In summary, the available evidence is currently insufficient to determine the role of this variant in disease. Therefore, it has been classified as a Variant of Uncertain Significance.